The following is an entry in ClinVar:

NM_004260.4(RECQL4):c.1438G>A (p.Ala480Thr)

Gene: RECQL4 (RecQ like helicase 4; minus strand). Cytogenetic location: 8q24.3.
Variant type: single nucleotide variant.
Coding change: c.1438G>A on transcript NM_004260.4 (MANE Select); coding-DNA position 1438, G replaced by A.
Protein change: p.Ala480Thr; replaces alanine 480 with threonine.
Molecular consequence: missense variant.
Genome position (GRCh38, 1-based): chr8:144,515,195, C>T on the plus strand (G>A on the coding strand, the complement: RECQL4 is on the minus strand). VCF-style: chr8-144515195-C-T. GRCh37 (hg19) VCF-style: chr8-145740579-C-T.
Other names: c.1342G>A, p.Ala448Thr (NM_001413017.1, NM_001413020.1); c.1438G>A, p.Ala480Thr (NM_001413018.1, NM_001413019.1, NM_001413033.1 and 2 more transcripts); c.367G>A, p.Ala123Thr (NM_001413021.1, NM_001413022.1, NM_001413023.1 and 8 more transcripts); c.1309G>A, p.Ala437Thr (NM_001413025.1); c.301G>A, p.Ala101Thr (NM_001413027.1, NM_001413030.1, NM_001413031.1 and 2 more transcripts); c.1087G>A, p.Ala363Thr (NM_001413029.1); c.-30G>A (NM_001413043.1); short protein forms A101T, A123T, A363T, A437T, A448T, A480T.
Identifiers: ClinVar variation 1714979 (VCV001714979.5), dbSNP rs2130706030, ClinGen allele CA372684805.
Genomic context (GRCh38, chr8:144,515,195, plus strand): 5'-GGCAGCCACGCTCACCAGACAGGATCCGCATGACTGCACGCTCCTGCCCAGGGCGAAAGG[C>T]TTGGTGCCCCAGCTGCTCCAGGGCCTGGAACACCTCAGCCGGCGTCTCTGCAGACACAGA-3'
Protein context (NP_004251.4, residues 470-490): FQALEQLGHQ[Ala480Thr]FRPGQERAVM

ClinVar aggregate classification (germline): Uncertain significance (1 of 4 stars; one submission).

Conditions:
Baller-Gerold syndrome (BGS). Also called: CRANIOSYNOSTOSIS WITH RADIAL DEFECTS. Identifiers: Orphanet 1225, MedGen C0265308, MONDO:0009039, OMIM 218600.

Submission:

Labcorp Genetics (formerly Invitae), Labcorp
Classification: Uncertain significance for Baller-Gerold syndrome. Last evaluated: 2022-07-15. Review status: criteria provided, single submitter. Criteria: Invitae Variant Classification Sherloc (09022015). Collection method: clinical testing. Allele origin: germline.
Comment: This sequence change replaces alanine, which is neutral and non-polar, with threonine, which is neutral and polar, at codon 480 of the RECQL4 protein (p.Ala480Thr). This variant is not present in population databases (gnomAD no frequency). This variant has not been reported in the literature in individuals affected with RECQL4-related conditions. Experimental studies and prediction algorithms are not available or were not evaluated, and the functional significance of this variant is currently unknown. In summary, the available evidence is currently insufficient to determine the role of this variant in disease. Therefore, it has been classified as a Variant of Uncertain Significance.